The following is an entry in ClinVar:

ClinVar aggregate classification (germline): Uncertain significance (1 of 4 stars; one submission).

Allele frequency attached by ClinVar (database versions not stated): gnomAD 0.00001; gnomAD exomes 0.00004; TOPMed 0.00006; ExAC 0.00007.
gnomAD v4.1: 57 of 1,613,850 alleles (0.0035%); highest among the groups gnomAD compares: Admixed American, 0.0067%; 1 homozygote.

Submission:

Labcorp Genetics (formerly Invitae), Labcorp
Classification: Uncertain significance. Last evaluated: 2022-06-14. Review status: criteria provided, single submitter. Criteria: Invitae Variant Classification Sherloc (09022015). Collection method: clinical testing. Allele origin: germline.
Comment: This sequence change replaces glutamic acid, which is acidic and polar, with aspartic acid, which is acidic and polar, at codon 202 of the SERPINF1 protein (p.Glu202Asp). This variant is present in population databases (rs200661635, gnomAD 0.008%). This variant has not been reported in the literature in individuals affected with SERPINF1-related conditions. Algorithms developed to predict the effect of missense changes on protein structure and function output the following: SIFT: "Not Available"; PolyPhen-2: "Benign"; Align-GVGD: "Not Available". The aspartic acid amino acid residue is found in multiple mammalian species, which suggests that this missense change does not adversely affect protein function. In summary, the available evidence is currently insufficient to determine the role of this variant in disease. Therefore, it has been classified as a Variant of Uncertain Significance.

NM_002615.7(SERPINF1):c.606G>T (p.Glu202Asp)

Gene: SERPINF1 (serpin family F member 1; plus strand). Cytogenetic location: 17p13.3.
Variant type: single nucleotide variant.
Coding change: c.606G>T on transcript NM_002615.7 (MANE Select); coding-DNA position 606, G replaced by T.
Protein change: p.Glu202Asp; replaces glutamic acid 202 with aspartic acid.
Molecular consequence: missense variant.
Genome position (GRCh38, 1-based): chr17:1,772,038, G>T. VCF-style: chr17-1772038-G-T. GRCh37 (hg19) VCF-style: chr17-1675332-G-T.
Other names: c.606G>T, p.Glu202Asp (NM_001329903.2); c.45G>T, p.Glu15Asp (NM_001329904.2, NM_001329905.2); short protein forms E15D, E202D.
Identifiers: ClinVar variation 2427917 (VCV002427917.3), dbSNP rs200661635, ClinGen allele CA8274750.